The following is an entry in ClinVar:

NM_000051.4(ATM):c.5497-20G>T

Gene: ATM (ATM serine/threonine kinase; plus strand). Cytogenetic location: 11q22.3.
Variant type: single nucleotide variant.
Coding change: c.5497-20G>T on transcript NM_000051.4 (MANE Select); 20 bases into the intron before coding-DNA position 5497, G replaced by T.
Molecular consequence: intron variant.
Genome position (GRCh38, 1-based): chr11:108,304,655, G>T. VCF-style: chr11-108304655-G-T. GRCh37 (hg19) VCF-style: chr11-108175382-G-T.
Other names: c.5497-20G>T (NM_001351834.2).
Identifiers: ClinVar variation 2721492 (VCV002721492.4), dbSNP rs2083587949, ClinGen allele CA942025159.

ClinVar aggregate classification (germline): Likely benign. Review status: criteria provided, multiple submitters, no conflicts (2 of 4 stars). 2 submissions from 2 submitters: Likely benign (2). Last evaluated 2025-06-15.

Conditions:
Familial cancer of breast. Also called: Hereditary breast cancer; hereditary breast carcinoma; BREAST CANCER, FAMILIAL. Identifiers: Orphanet 227535, MedGen C0346153, MONDO:0016419, OMIM 114480. Disease mechanism: loss of function.
Ataxia-telangiectasia syndrome (AT). Also called: AT, COMPLEMENTATION GROUP C; Ataxia telangiectasia (A-T); Ataxia-telangiectasia, complementation group D; Ataxia-telangiectasia, complementation group E; LOUIS-BAR SYNDROME; ATAXIA-TELANGIECTASIA, COMPLEMENTATION GROUP A. Identifiers: Orphanet 100, MedGen C0004135, MONDO:0008840, OMIM 208900.

Allele frequency attached by ClinVar (database versions not stated): TOPMed below 0.00001; gnomAD 0.00001.
gnomAD v4.1: 13 of 1,610,262 alleles (0.00081%); highest among the groups gnomAD compares: Non-Finnish European, 0.0011%; no homozygotes.

Submissions (2):

Labcorp Genetics (formerly Invitae), Labcorp
Classification: Likely benign for Ataxia-telangiectasia syndrome. Last evaluated: 2025-06-15. Review status: criteria provided, single submitter. Criteria: Invitae Variant Classification Sherloc (09022015). Collection method: clinical testing. Allele origin: germline.

Myriad Genetics, Inc.
Classification: Likely benign for Familial cancer of breast. Last evaluated: 2024-05-23. Review status: criteria provided, single submitter. Criteria: Myriad Autosomal Dominant, Autosomal Recessive and X-Linked Classification Criteria (2023). Collection method: clinical testing. Allele origin: unknown.
Comment: This variant is considered likely benign. This variant is intronic and is not expected to impact mRNA splicing.